The following is an entry in ClinVar:

ClinVar aggregate classification (germline): Pathogenic/Likely pathogenic. Review status: criteria provided, multiple submitters, no conflicts (2 of 4 stars). 28 submissions from 28 submitters: Pathogenic (21); Likely pathogenic (2). 5 of the submissions do not count toward it. Last evaluated 2026-07-30.

Conditions:
C2-related disorder. Also called: C2-related disorders; C2-related condition.
Primary immunodeficiency or monogenic inflammatory bowel disease.
Complement component 2 deficiency (C2D). Also called: C2 deficiency. Identifiers: MedGen C0398756, MONDO:0009006, OMIM 217000.
Age related macular degeneration 14. Also called: MACULAR DEGENERATION, AGE-RELATED, 14, REDUCED RISK OF. Identifiers: MedGen C3809653, MONDO:0014207, OMIM 615489.
C2 deficiency, type I. Identifiers: MedGen C4017351.

Submissions 1 to 14 of 31:

North West Genomic Laboratory Hub, Manchester University NHS Foundation Trust
Classification: Pathogenic for Primary immunodeficiency or monogenic inflammatory bowel disease. Last evaluated: 2026-07-30. Review status: criteria provided, single submitter. Criteria: ACGS Best Practice Guidelines for Variant Classification in Rare Disease 2024. Collection method: clinical testing. Allele origin: germline. Affected: yes.
Comment: PP4_Supp PM3_Str PVS1_VStr PP1_Mod

Dasa
Classification: Pathogenic. Last evaluated: 2026-04-17. Review status: criteria provided, single submitter. Criteria: DASA Assertion Criteria. Collection method: clinical testing. Allele origin: germline.
Comment: NM_001282459.2(C2):c.841_868del (p.Val281ProfsTer110) is a frameshift variant in C2 predicted to alter the reading frame and introduce a premature termination codon. This variant has been recurrently observed in individuals with C2-related disorders (PMID: 1577763; PMID: 31440263; PMID: 35729719). Functional evidence supports an impact on the gene or gene product. Also, this variant is rare in population databases. Based on the currently available evidence, this variant is classified as pathogenic.

CeGaT Center for Human Genetics Tuebingen
Classification: Pathogenic. Last evaluated: 2026-04-01. Review status: criteria provided, single submitter. Criteria: CeGaT Center For Human Genetics Tuebingen Variant Classification Criteria Version 2. Collection method: clinical testing. Allele origin: germline. Affected: yes. Observed: 24 variant alleles.
Comment: C2: PM3:Very Strong, PVS1, PM2:Supporting

Labcorp Genetics (formerly Invitae), Labcorp
Classification: Pathogenic. Last evaluated: 2026-02-03. Review status: criteria provided, single submitter. Criteria: Invitae Variant Classification Sherloc (09022015). Collection method: clinical testing. Allele origin: germline.
Comment: This variant results in the deletion of part of exon 6 (c.841_849+19del) of the C2 gene. RNA analysis indicates that this variant induces altered splicing and may result in an absent or altered protein product. This variant is present in population databases (rs572361305, gnomAD 1.2%), and has an allele count higher than expected for a pathogenic variant. This variant has been observed in individual(s) with C2 deficiency (PMID: 1577763, 9616367, 31440263). It has also been observed to segregate with disease in related individuals. ClinVar contains an entry for this variant (Variation ID: 50634). Studies have shown that this variant results in skipping of exon 6, and produces a non-functional protein and/or introduces a premature termination codon (PMID: 1577763). For these reasons, this variant has been classified as Pathogenic.

Center for Genomic Medicine, Rigshospitalet, Copenhagen University Hospital
Classification: Likely pathogenic. Last evaluated: 2025-12-29. Review status: criteria provided, single submitter. Criteria: ACMG Guidelines, 2015. Collection method: clinical testing. Allele origin: germline.

Genetic Services Laboratory, University of Chicago
Classification: Pathogenic. Last evaluated: 2025-12-26. Review status: criteria provided, single submitter. Criteria: ACMG Guidelines, 2015. Collection method: clinical testing. Allele origin: germline.
Comment: The c.841_849+19del variant: Is a deletion of 28 base pairs in exon 6 and into intron 7. Results in a deletion of 3 amino acids and the intron 6 splice donor site. Has been demonstrated by RNA analysis to disrupt the intron 6 splice donor site leading to the exclusion of exon 6 from the transcript and the introduction of a novel stop codon 12 bases downstream from this deletion (PMID: 1577763). The introduction of this premature stop codon likely causes a loss of C2 expression as a result of nonsense mediated decay (PMID: 9616367). Has been previously described in the homozygous or compound heterozygous state with other pathogenic C2 variants in multiple individuals with C2-related disorders (PMID: 1577763, 9616367, 27943079, 31440263, 35874679). Has been previously described in the heterozygous state in several individuals with varied immune phenotypes including pathogen-specific immunodeficiency (PMID: 35874679) and purulent meningitis, recurrent sinusitis, recurrent impetigo, pneumonia, and recurrent otitis (PMID: 29619023). Reported in the gnomAD v4 database with a frequency of 1.135% in the Ashkenazi Jewish subpopulation (dbSNP rs1252372987). ClinVar contains an entry for this variant (Variation ID: 50634). Collectively this evidence indicates that this variant is pathogenic.

3billion
Classification: Pathogenic for Complement component 2 deficiency. Last evaluated: 2025-06-07. Review status: criteria provided, single submitter. Criteria: ACMG Guidelines, 2015. Collection method: clinical testing. Allele origin: germline. Affected: yes.
Comment: The variant is observed as homozygous in at least two unrelated individuals/adults in the gnomAD v4.1.0 dataset. It is the most common pathogenic variant for C2 deficiency (PMID: 1577763). Predicted Consequence/Location: Canonical splice site: predicted to alter splicing and result in a loss or disruption of normal protein function. Multiple pathogenic loss-of-function variants are reported downstream of the variant. In silico tools predict the variant to alter splicing and produce an abnormal transcript [SpliceAI: 0.21 (spliceogenicity >=0.2, non-spliceogenicity <0.1)]. The variant has been reported at least twice as pathogenic with clinical assertions and evidence for the classification (ClinVar ID: VCV000050634 /PMID: 1577763 /3billion dataset). Therefore, this variant is classified as Pathogenic according to the recommendation of ACMG/AMP guideline.

Revvity Omics, Revvity
Classification: Pathogenic for Complement component 2 deficiency. Last evaluated: 2025-04-10. Review status: criteria provided, single submitter. Criteria: ACMG Guidelines, 2015. Collection method: clinical testing. Allele origin: germline.

Laboratory of Genetics, Children's Clinical University Hospital Latvia
Classification: Pathogenic. Last evaluated: 2025-02-16. Review status: criteria provided, single submitter. Criteria: ACMG Guidelines, 2015. Collection method: clinical testing. Allele origin: germline. Affected: yes.

Mayo Clinic Laboratories, Mayo Clinic
Classification: Pathogenic. Last evaluated: 2025-01-29. Review status: criteria provided, single submitter. Criteria: ACMG Guidelines, 2015. Collection method: clinical testing. Allele origin: germline. Observed: 4 variant alleles.
Comment: BS2, PP1_strong, PM3, PVS1_strong

Blueprint Genetics
Classification: Pathogenic for C2-related disorders. Last evaluated: 2024-11-25. Review status: criteria provided, single submitter. Criteria: ACMG Guidelines, 2015. Collection method: clinical testing. Allele origin: germline. Affected: yes. Observed: 5 variant alleles.

Pittsburgh Clinical Genomics Laboratory, University of Pittsburgh Medical Center
Classification: Pathogenic for Complement component 2 deficiency. Last evaluated: 2024-03-22. Review status: criteria provided, single submitter. Criteria: ACMG Guidelines, 2015. Collection method: clinical testing. Allele origin: germline. Inheritance: Autosomal recessive inheritance. Affected: yes.
Comment: This sequence variant is a 28 nucleotide deletion spanning positions 841 through 849+19 of the C2 gene that removes part of the coding sequence of exon 6 and the canonical donor splice site of intron 6. This is a previously reported variant (ClinVar 50634) that has been observed in homozygous and compound heterozygous individuals affected by type 1 complement C2 deficiency (PMID: 1577763, 9616367, 27943079, 31440263, 35874679). In the heterozygous state, this variant was observed in an individual affected by a pathogen-specific immunodeficiency (PMID: 35874679). This variant is present in 1927 of 403284 alleles (0.4778%) in the gnomAD population dataset. Predictions from bioinformatic tools are inconclusive for this variant. RNA studies have indicated that this variant disrupts the intron 6 donor splice site leading to the exclusion of exon 6 from the transcript and the introduction of a novel stop codon 12 bases downstream of the deletion (PMID: 1577763). The introduction of this premature stop codon likely causes a loss of C2 expression as a result of nonsense mediated decay (PMID: 9616367). Based upon the evidence, we consider this a pathogenic variant. ACMG Criteria: PS3, PVS1

Department of Human Genetics, Hannover Medical School
Classification: Pathogenic for Complement component 2 deficiency. Last evaluated: 2024-02-08. Review status: criteria provided, single submitter. Criteria: ACMG Guidelines, 2015. Collection method: clinical testing. Allele origin: germline. Affected: yes.

Fulgent Genetics
Classification: Pathogenic for Complement component 2 deficiency; Age related macular degeneration 14. Last evaluated: 2024-01-12. Review status: criteria provided, single submitter. Criteria: ACMG Guidelines, 2015. Collection method: clinical testing. Allele origin: germline.

NM_000063.6(C2):c.841_849+19del

Gene: C2 (complement C2; plus strand). Cytogenetic location: 6p21.33.
Variant type: Deletion.
Coding change: c.841_849+19del on transcript NM_000063.6 (MANE Select); coding-DNA position 841 through 19 bases into the intron after coding-DNA position 849, 28 bases deleted (GTGGACAGGGTCAGGAATCAGGAGTCTG).
Molecular consequence: splice donor variant. On other transcripts: frameshift variant (1), intron variant (2).
Genome position (GRCh38, 1-based): chr6:31,934,291-31,934,318, GTGGACAGGGTCAGGAATCAGGAGTCTG deleted; deleting any 28 consecutive bases within chr6:31,934,289-31,934,318 gives the same sequence; the c. name uses the placement nearest the transcript's 3' end. VCF-style (leftmost placement, unchanged base first): chr6-31934288-ATGGTGGACAGGGTCAGGAATCAGGAGTC-A. GRCh37 (hg19) VCF-style: chr6-31902065-ATGGTGGACAGGGTCAGGAATCAGGAGTC-A.
Other names: C2, 28-BP DEL; c.841_849+19del28 (NM_000063.5); c.841_868del, p.Val281fs (NM_001282459.2); c.111+508_111+535del (NM_001282457.2); c.346+326_346+353del (NM_001178063.3); c.754_762+19del (NM_001282458.2); c.445_453+19del (NM_001145903.3); short protein forms V281fs.
Identifiers: ClinVar variation 50634 (VCV000050634.81), dbSNP rs9332736, ClinGen allele CA199156.